The following is an entry in ClinVar:

ClinVar aggregate classification (germline): Conflicting classifications of pathogenicity. Review status: criteria provided, conflicting classifications (1 of 4 stars). 4 submissions from 4 submitters: Uncertain significance (2); Likely benign (2). Last evaluated 2025-02-12.

Conditions:
Dilated cardiomyopathy 1DD (CMD1DD). Identifiers: Orphanet 154, MedGen C2750995, MONDO:0013168, OMIM 613172.
Cardiovascular phenotype. Identifiers: MedGen CN230736.

Allele frequency attached by ClinVar (database versions not stated): gnomAD 0.00001; TOPMed 0.00002; gnomAD exomes 0.00007.
gnomAD v4.1: 55 of 1,526,554 alleles (0.0036%); highest among the groups gnomAD compares: Non-Finnish European, 0.0024%; no homozygotes.

Submissions (4):

Labcorp Genetics (formerly Invitae), Labcorp
Classification: Likely benign for Dilated cardiomyopathy 1DD. Last evaluated: 2025-02-12. Review status: criteria provided, single submitter. Criteria: Invitae Variant Classification Sherloc (09022015). Collection method: clinical testing. Allele origin: germline.

Blueprint Genetics
Classification: Likely benign. Last evaluated: 2024-09-24. Review status: criteria provided, single submitter. Criteria: ACMG Guidelines, 2015. Collection method: clinical testing. Allele origin: germline.

Ambry Genetics
Classification: Uncertain significance for Cardiovascular phenotype. Last evaluated: 2023-04-27. Review status: criteria provided, single submitter. Criteria: Ambry Variant Classification Scheme 2023. Collection method: clinical testing. Allele origin: germline.
Comment: The p.R39Q variant (also known as c.116G>A), located in coding exon 1 of the RBM20 gene, results from a G to A substitution at nucleotide position 116. The arginine at codon 39 is replaced by glutamine, an amino acid with highly similar properties. This amino acid position is well conserved in available vertebrate species. In addition, this alteration is predicted to be tolerated by in silico analysis. Since supporting evidence is limited at this time, the clinical significance of this alteration remains unclear.

Fulgent Genetics
Classification: Uncertain significance for Dilated cardiomyopathy 1DD. Last evaluated: 2021-11-09. Review status: criteria provided, single submitter. Criteria: ACMG Guidelines, 2015. Collection method: clinical testing. Allele origin: unknown.

NM_001134363.3(RBM20):c.116G>A (p.Arg39Gln)

Gene: RBM20 (RNA binding motif protein 20; plus strand). Cytogenetic location: 10q25.2.
Variant type: single nucleotide variant.
Coding change: c.116G>A on transcript NM_001134363.3 (MANE Select); coding-DNA position 116, G replaced by A.
Protein change: p.Arg39Gln; replaces arginine 39 with glutamine.
Molecular consequence: missense variant.
Genome position (GRCh38, 1-based): chr10:110,644,570, G>A. VCF-style: chr10-110644570-G-A. GRCh37 (hg19) VCF-style: chr10-112404328-G-A.
Other names: c.116G>A (NM_001134363.1); short protein forms R39Q.
Identifiers: ClinVar variation 945428 (VCV000945428.10), dbSNP rs780367353, ClinGen allele CA213903192.
Genomic context (GRCh38, chr10:110,644,570, plus strand): 5'-CGGACAGAGTTGCCTGCAGTGTGCCTGGTGCCCGGGCGTCCCCGGCACCCTCCGGCCCGC[G>A]AGGGATGCAGCAGCCGCCGCCGCCGCCCCAGCCACCGCCCCCGCCCCAAGCCGGCCTACC-3'
Protein context (NP_001127835.2, residues 29-49): ARASPAPSGP[Arg39Gln]GMQQPPPPPQ